The following is an entry in ClinVar:

ClinVar aggregate classification (germline): Uncertain significance (1 of 4 stars; one submission).

Allele frequency attached by ClinVar (database versions not stated): gnomAD exomes below 0.00001; gnomAD 0.00001.
gnomAD v4.1: 2 of 1,540,058 alleles (0.00013%); highest among the groups gnomAD compares: Non-Finnish European, 0.00017%; no homozygotes.

Submission:

Labcorp Genetics (formerly Invitae), Labcorp
Classification: Uncertain significance. Last evaluated: 2022-01-04. Review status: criteria provided, single submitter. Criteria: Invitae Variant Classification Sherloc (09022015). Collection method: clinical testing. Allele origin: germline.
Comment: Algorithms developed to predict the effect of missense changes on protein structure and function (SIFT, PolyPhen-2, Align-GVGD) all suggest that this variant is likely to be disruptive. In summary, the available evidence is currently insufficient to determine the role of this variant in disease. Therefore, it has been classified as a Variant of Uncertain Significance. This variant has not been reported in the literature in individuals affected with HMX1-related conditions. This variant is not present in population databases (gnomAD no frequency). This sequence change replaces serine, which is neutral and polar, with glycine, which is neutral and non-polar, at codon 230 of the HMX1 protein (p.Ser230Gly).

NM_018942.3(HMX1):c.688A>G (p.Ser230Gly)

Gene: HMX1 (H6 family homeobox 1; minus strand). Cytogenetic location: 4p16.1.
Variant type: single nucleotide variant.
Coding change: c.688A>G on transcript NM_018942.3 (MANE Select); coding-DNA position 688, A replaced by G.
Protein change: p.Ser230Gly; replaces serine 230 with glycine.
Molecular consequence: missense variant. On other transcripts: intron variant (1).
Genome position (GRCh38, 1-based): chr4:8,868,052, T>C on the plus strand (A>G on the coding strand, the complement: HMX1 is on the minus strand). VCF-style: chr4-8868052-T-C. GRCh37 (hg19) VCF-style: chr4-8869778-T-C.
Other names: c.394+3169A>G (NM_001306142.2); short protein forms S230G.
Identifiers: ClinVar variation 1928949 (VCV001928949.5), dbSNP rs1284254086, ClinGen allele CA356278032.